The following is an entry in ClinVar:

ClinVar aggregate classification (germline): Pathogenic (1 of 4 stars; one submission).

Conditions:
2-aminoadipic 2-oxoadipic aciduria (AAKAD). Also called: Aminoadipic aciduria; ALPHA-AMINOADIPIC AND ALPHA-KETOADIPIC ACIDURIA. Identifiers: Orphanet 79154, MedGen C1859817, MONDO:0008774, OMIM 204750.

Allele frequency attached by ClinVar (database versions not stated): gnomAD exomes below 0.00001.

Submission:

Labcorp Genetics (formerly Invitae), Labcorp
Classification: Pathogenic for 2-aminoadipic 2-oxoadipic aciduria. Last evaluated: 2022-03-19. Review status: criteria provided, single submitter. Criteria: Invitae Variant Classification Sherloc (09022015). Collection method: clinical testing. Allele origin: germline.
Comment: This variant is not present in population databases (gnomAD no frequency). This sequence change creates a premature translational stop signal (p.Gly67*) in the DHTKD1 gene. It is expected to result in an absent or disrupted protein product. Loss-of-function variants in DHTKD1 are known to be pathogenic (PMID: 23141293, 25860818). This variant has not been reported in the literature in individuals affected with DHTKD1-related conditions. For these reasons, this variant has been classified as Pathogenic.

Literature cited by the submitters: PubMed 23141293; PubMed 25860818.

NM_018706.7(DHTKD1):c.199_203del (p.His66_Gly67insTer)

Gene: DHTKD1 (dehydrogenase E1 and transketolase domain containing 1; plus strand). Cytogenetic location: 10p14.
Variant type: Deletion.
Coding change: c.199_203del on transcript NM_018706.7 (MANE Select); coding-DNA positions 199 to 203, 5 bases deleted (GGTCA; older notation c.199_203delGGTCA).
Protein change: p.His66_Gly67insTer.
Molecular consequence: nonsense.
Genome position (GRCh38, 1-based): chr10:12,081,516-12,081,520, GGTCA deleted. VCF-style (leftmost placement, unchanged base first): chr10-12081515-TGGTCA-T. GRCh37 (hg19) VCF-style: chr10-12123514-TGGTCA-T.
Identifiers: ClinVar variation 1936267 (VCV001936267.5), dbSNP rs2491465612, ClinGen allele CA2580081319.
Genomic context (GRCh38, chr10:12,081,515, plus strand): 5'-ATTTTCCCCTGATTTAGTTGATCATGGCCTTGCCAGGTTGGTGACAGTATATTGTGAGCA[TGGTCA>T]TAAAGCTGCCAAAATCAACCCCCTCTTCACCGGACAAGCCCTGCTGGAGAATGTGCCTGA-3'